The following is an entry in ClinVar:

NM_000071.3(CBS):c.588G>C (p.Arg196Ser)

Gene: CBS (cystathionine beta-synthase; minus strand). Cytogenetic location: 21q22.3.
Variant type: single nucleotide variant.
Coding change: c.588G>C on transcript NM_000071.3 (MANE Select); coding-DNA position 588, G replaced by C.
Protein change: p.Arg196Ser; replaces arginine 196 with serine.
Molecular consequence: missense variant.
Genome position (GRCh38, 1-based): chr21:43,065,465, C>G on the plus strand (G>C on the coding strand, the complement: CBS is on the minus strand). VCF-style: chr21-43065465-C-G. GRCh37 (hg19) VCF-style: chr21-44485575-C-G.
Other names: c.588G>C, p.Arg196Ser (NM_001178008.3, NM_001178009.3, NM_001320298.2); c.273G>C, p.Arg91Ser (NM_001321072.1); short protein forms R196S, R91S.
Identifiers: ClinVar variation 577942 (VCV000577942.11), dbSNP rs555751528, ClinGen allele CA321096025.

ClinVar aggregate classification (germline): Uncertain significance. Review status: criteria provided, multiple submitters, no conflicts (2 of 4 stars). 4 submissions from 4 submitters: Uncertain significance (3). 1 of the submissions does not count toward it. Last evaluated 2023-11-02.

Conditions:
Classic homocystinuria. Also called: HOMOCYSTINURIA WITH OR WITHOUT RESPONSE TO PYRIDOXINE; Homocystinuria due to Cystathionine Beta-Synthase Deficiency; Homocystinuria due to CBS deficiency; Cystathionine beta-synthase deficiency; CBS deficiency. Identifiers: Orphanet 394, MedGen C0751202, MONDO:0009352, OMIM 236200.
HYPERHOMOCYSTEINEMIA, THROMBOTIC, CBS-RELATED. Identifiers: MedGen C3150344, OMIM 236200.
Familial thoracic aortic aneurysm and aortic dissection (TAAD). Also called: Thoracic aortic aneurysms and dissections. Identifiers: Orphanet 91387, MedGen C4707243, MONDO:0019625.

Allele frequency attached by ClinVar (database versions not stated): gnomAD 0.00003; ExAC 0.00004; gnomAD exomes 0.00004; 1000 Genomes Project 0.00040.

Submissions (4):

GeneDx
Classification: Uncertain significance. Last evaluated: 2023-11-02. Review status: criteria provided, single submitter. Criteria: GeneDx Variant Classification Process June 2021. Collection method: clinical testing. Allele origin: germline. Affected: yes.
Comment: In silico analysis supports that this missense variant does not alter protein structure/function; Has not been previously published as pathogenic or benign to our knowledge

Ambry Genetics
Classification: Uncertain significance for Familial thoracic aortic aneurysm and aortic dissection. Last evaluated: 2022-01-12. Review status: criteria provided, single submitter. Criteria: Ambry Variant Classification Scheme 2023. Collection method: clinical testing. Allele origin: germline.
Comment: The p.R196S variant (also known as c.588G>C), located in coding exon 5 of the CBS gene, results from a G to C substitution at nucleotide position 588. The arginine at codon 196 is replaced by serine, an amino acid with dissimilar properties. This amino acid position is conserved. In addition, this alteration is predicted to be tolerated by in silico analysis. Since supporting evidence is limited at this time, the clinical significance of this alteration remains unclear.

Labcorp Genetics (formerly Invitae), Labcorp
Classification: Uncertain significance for HYPERHOMOCYSTEINEMIA, THROMBOTIC, CBS-RELATED. Last evaluated: 2021-08-31. Review status: criteria provided, single submitter. Criteria: Invitae Variant Classification Sherloc (09022015). Collection method: clinical testing. Allele origin: germline.
Comment: This sequence change replaces arginine with serine at codon 196 of the CBS protein (p.Arg196Ser). The arginine residue is moderately conserved and there is a moderate physicochemical difference between arginine and serine. This variant is present in population databases (rs555751528, ExAC 0.06%). This variant has not been reported in the literature in individuals affected with CBS-related conditions. Algorithms developed to predict the effect of missense changes on protein structure and function (SIFT, PolyPhen-2, Align-GVGD) all suggest that this variant is likely to be tolerated. In summary, the available evidence is currently insufficient to determine the role of this variant in disease. Therefore, it has been classified as a Variant of Uncertain Significance.

Natera, Inc.
Classification: Uncertain significance for Homocystinuria due to cystathionine beta-synthase deficiency. Last evaluated: 2020-07-09. Review status: no assertion criteria provided. Collection method: clinical testing. Allele origin: germline. Not counted in ClinVar's aggregate classification.